The following is an entry in ClinVar:

NM_000254.3(MTR):c.485C>T (p.Pro162Leu)

Gene: MTR (5-methyltetrahydrofolate-homocysteine methyltransferase; plus strand). Cytogenetic location: 1q43.
Variant type: single nucleotide variant.
Coding change: c.485C>T on transcript NM_000254.3 (MANE Select); coding-DNA position 485, C replaced by T.
Protein change: p.Pro162Leu; replaces proline 162 with leucine.
Molecular consequence: missense variant. On other transcripts: 5 prime UTR variant (1).
Genome position (GRCh38, 1-based): chr1:236,810,578, C>T. VCF-style: chr1-236810578-C-T. GRCh37 (hg19) VCF-style: chr1-236973878-C-T.
Other names: c.485C>T, p.Pro162Leu (NM_001291939.1, NM_001410942.1); c.-624C>T (NM_001291940.2); short protein forms P162L.
Identifiers: ClinVar variation 2154548 (VCV002154548.2), dbSNP rs201799064, ClinGen allele CA1473746.

ClinVar aggregate classification (germline): Uncertain significance (1 of 4 stars; one submission).

Conditions:
Methylcobalamin deficiency type cblG (HMAG). Also called: Functional methionine synthase deficiency type cblG; HOMOCYSTINURIA-MEGALOBLASTIC ANEMIA, cblG TYPE; HOMOCYSTINURIA-MEGALOBLASTIC ANEMIA DUE TO DEFECT IN COBALAMIN METABOLISM, cblG COMPLEMENTATION TYPE; HOMOCYSTINURIA-MEGALOBLASTIC ANEMIA, cblG COMPLEMENTATION TYPE. Identifiers: Orphanet 2170, Orphanet 622, MedGen C1855128, MONDO:0009609, OMIM 250940.

Allele frequency attached by ClinVar (database versions not stated): TOPMed 0.00009; gnomAD 0.00010; gnomAD exomes 0.00012; ExAC 0.00067.
gnomAD v4.1: 217 of 1,613,252 alleles (0.013%); highest among the groups gnomAD compares: Non-Finnish European, 0.0093%; no homozygotes.

Submission:

Labcorp Genetics (formerly Invitae), Labcorp
Classification: Uncertain significance for Methylcobalamin deficiency type cblG. Last evaluated: 2025-11-27. Review status: criteria provided, single submitter. Criteria: Invitae Variant Classification Sherloc (09022015). Collection method: clinical testing. Allele origin: germline.
Comment: This sequence change replaces proline, which is neutral and non-polar, with leucine, which is neutral and non-polar, at codon 162 of the MTR protein (p.Pro162Leu). This variant is present in population databases (rs201799064, gnomAD 0.1%). This variant has not been reported in the literature in individuals affected with MTR-related conditions. ClinVar contains an entry for this variant (Variation ID: 2154548). Invitae Evidence Modeling of protein sequence and biophysical properties (such as structural, functional, and spatial information, amino acid conservation, physicochemical variation, residue mobility, and thermodynamic stability) indicates that this missense variant is expected to disrupt MTR protein function with a positive predictive value of 95%. In summary, the available evidence is currently insufficient to determine the role of this variant in disease. Therefore, it has been classified as a Variant of Uncertain Significance.